The following is an entry in ClinVar:

NM_002693.3(POLG):c.2071G>A (p.Val691Ile)

Gene: POLG (DNA polymerase gamma, catalytic subunit; minus strand). Cytogenetic location: 15q26.1.
Variant type: single nucleotide variant.
Coding change: c.2071G>A on transcript NM_002693.3 (MANE Select); coding-DNA position 2071, G replaced by A.
Protein change: p.Val691Ile; replaces valine 691 with isoleucine.
Molecular consequence: missense variant.
Genome position (GRCh38, 1-based): chr15:89,323,901, C>T on the plus strand (G>A on the coding strand, the complement: POLG is on the minus strand). VCF-style: chr15-89323901-C-T. GRCh37 (hg19) VCF-style: chr15-89867132-C-T.
Other names: c.2071G>A, p.Val691Ile (NM_001126131.2); short protein forms V691I.
Identifiers: ClinVar variation 1378019 (VCV001378019.4), dbSNP rs2152063222, ClinGen allele CA393757347.

ClinVar aggregate classification (germline): Uncertain significance. Review status: criteria provided, multiple submitters, no conflicts (2 of 4 stars). 2 submissions from 2 submitters: Uncertain significance (2). Last evaluated 2024-04-29.

Conditions:
Progressive sclerosing poliodystrophy (MTDPS4A). Also called: ALPERS PROGRESSIVE INFANTILE POLIODYSTROPHY; ALPERS DIFFUSE DEGENERATION OF CEREBRAL GRAY MATTER WITH HEPATIC CIRRHOSIS; Alpers-Huttenlocher Syndrome; Alpers Syndrome; Mitochondrial DNA Depletion Syndrome 4A; NEURONAL DEGENERATION OF CHILDHOOD WITH LIVER DISEASE, PROGRESSIVE. Identifiers: Orphanet 726, MedGen C0205710, MONDO:0008758, OMIM 203700.

Submissions (2):

Blueprint Genetics
Classification: Uncertain significance. Last evaluated: 2024-04-29. Review status: criteria provided, single submitter. Criteria: ACMG Guidelines, 2015. Collection method: clinical testing. Allele origin: germline.

Labcorp Genetics (formerly Invitae), Labcorp
Classification: Uncertain significance for Progressive sclerosing poliodystrophy. Last evaluated: 2021-10-13. Review status: criteria provided, single submitter. Criteria: Invitae Variant Classification Sherloc (09022015). Collection method: clinical testing. Allele origin: germline.
Comment: This sequence change replaces valine with isoleucine at codon 691 of the POLG protein (p.Val691Ile). The valine residue is highly conserved and there is a small physicochemical difference between valine and isoleucine. This variant is not present in population databases (ExAC no frequency). This variant has not been reported in the literature in individuals affected with POLG-related conditions. Algorithms developed to predict the effect of missense changes on protein structure and function are either unavailable or do not agree on the potential impact of this missense change (SIFT: "Deleterious"; PolyPhen-2: "Benign"; Align-GVGD: "Class C0"). Algorithms developed to predict the effect of sequence changes on RNA splicing suggest that this variant may disrupt the consensus splice site. In summary, the available evidence is currently insufficient to determine the role of this variant in disease. Therefore, it has been classified as a Variant of Uncertain Significance.